The following is an entry in ClinVar:

ClinVar aggregate classification (germline): Uncertain significance (1 of 4 stars; one submission).

Conditions:
Inborn genetic diseases. Identifiers: MedGen C0950123, MeSH D030342.

gnomAD v4.1: 39 of 1,614,068 alleles (0.0024%); highest among the groups gnomAD compares: Non-Finnish European, 0.0032%; no homozygotes.

Submission:

Ambry Genetics
Classification: Uncertain significance for Inborn genetic diseases. Last evaluated: 2024-12-20. Review status: criteria provided, single submitter. Criteria: Ambry Variant Classification Scheme 2023. Collection method: clinical testing. Allele origin: germline.
Comment: The p.L608F variant (also known as c.1822C>T), located in coding exon 12 of the BMPR2 gene, results from a C to T substitution at nucleotide position 1822. The leucine at codon 608 is replaced by phenylalanine, an amino acid with highly similar properties. This amino acid position is conserved. In addition, the in silico prediction for this alteration is inconclusive. Based on the available evidence, the clinical significance of this variant remains unclear.

NM_001204.7(BMPR2):c.1822C>T (p.Leu608Phe)

Gene: BMPR2 (bone morphogenetic protein receptor type 2; plus strand). Cytogenetic location: 2q33.2.
Variant type: single nucleotide variant.
Coding change: c.1822C>T on transcript NM_001204.7 (MANE Select); coding-DNA position 1822, C replaced by T.
Protein change: p.Leu608Phe; replaces leucine 608 with phenylalanine.
Molecular consequence: missense variant.
Genome position (GRCh38, 1-based): chr2:202,555,487, C>T. VCF-style: chr2-202555487-C-T. GRCh37 (hg19) VCF-style: chr2-203420210-C-T.
Other names: short protein forms L608F.
Identifiers: ClinVar variation 3824757 (VCV003824757.1).
Genomic context (GRCh38, chr2:202,555,487, plus strand): 5'-AACTATGAACGACAGCAAGCACAAGCTCGAATCCCCAGCCCTGAAACAAGTGTCACCAGC[C>T]TCTCCACCAACACAACAACCACAAACACCACAGGACTCACGCCAAGTACTGGCATGACTA-3'
Protein context (NP_001195.2, residues 598-618): IPSPETSVTS[Leu608Phe]STNTTTTNTT